The following is an entry in ClinVar:

NM_004629.2(FANCG):c.881G>A (p.Gly294Glu)

Gene: FANCG (FA complementation group G; minus strand). Cytogenetic location: 9p13.3.
Variant type: single nucleotide variant.
Coding change: c.881G>A on transcript NM_004629.2 (MANE Select); coding-DNA position 881, G replaced by A.
Protein change: p.Gly294Glu; replaces glycine 294 with glutamic acid.
Molecular consequence: missense variant.
Genome position (GRCh38, 1-based): chr9:35,076,767, C>T on the plus strand (G>A on the coding strand, the complement: FANCG is on the minus strand). VCF-style: chr9-35076767-C-T. GRCh37 (hg19) VCF-style: chr9-35076764-C-T.
Other names: short protein forms G294E.
Identifiers: ClinVar variation 239969 (VCV000239969.22), dbSNP rs17880082, ClinGen allele CA5039921.

ClinVar aggregate classification (germline): Conflicting classifications of pathogenicity. Review status: criteria provided, conflicting classifications (1 of 4 stars). 6 submissions from 6 submitters: Uncertain significance (2); Benign (2). 2 of the submissions do not count toward it. Last evaluated 2026-02-02.

Conditions:
FANCG-related disorder. Also called: FANCG-related condition.
Fanconi anemia complementation group G. Also called: FANCG-Related Fanconi Anemia; Fanconi anemia group G. Identifiers: Orphanet 84, MedGen C3469527, MONDO:0013565, OMIM 614082.
Fanconi anemia (FA). Also called: Fanconi's anemia. Identifiers: Orphanet 84, MedGen C0015625, MeSH D005199, MONDO:0019391.

Allele frequency attached by ClinVar (database versions not stated): gnomAD exomes 0.00003 and 0.00015; gnomAD 0.00012 and 0.00014; ExAC 0.00014; TOPMed 0.00014.
gnomAD v4.1: 125 of 1,614,068 alleles (0.0077%); highest among the groups gnomAD compares: East Asian, 0.098%; no homozygotes.

Submissions (6):

Labcorp Genetics (formerly Invitae), Labcorp
Classification: Benign for Fanconi anemia. Last evaluated: 2026-02-02. Review status: criteria provided, single submitter. Criteria: Invitae Variant Classification Sherloc (09022015). Collection method: clinical testing. Allele origin: germline.

Blueprint Genetics
Classification: Benign. Last evaluated: 2024-11-06. Review status: criteria provided, single submitter. Criteria: ACMG Guidelines, 2015. Collection method: clinical testing. Allele origin: germline.

Fulgent Genetics
Classification: Uncertain significance for Fanconi anemia complementation group G. Last evaluated: 2018-10-31. Review status: criteria provided, single submitter. Criteria: ACMG Guidelines, 2015. Collection method: clinical testing. Allele origin: unknown.

Genetic Services Laboratory, University of Chicago
Classification: Uncertain significance. Last evaluated: 2015-09-29. Review status: criteria provided, single submitter. Criteria: ACMG Guidelines, 2015. Collection method: clinical testing. Allele origin: germline. Affected: no.

PreventionGenetics, part of Exact Sciences
Classification: Likely benign for FANCG-related condition. Last evaluated: 2022-04-13. Review status: no assertion criteria provided. Collection method: clinical testing. Allele origin: germline. Not counted in ClinVar's aggregate classification.
Comment: This variant is classified as likely benign based on ACMG/AMP sequence variant interpretation guidelines (Richards et al. 2015 PMID: 25741868, with internal and published modifications).

Natera, Inc.
Classification: Likely benign for Fanconi anemia group G. Last evaluated: 2020-01-11. Review status: no assertion criteria provided. Collection method: clinical testing. Allele origin: germline. Not counted in ClinVar's aggregate classification.